The following is an entry in ClinVar:

ClinVar aggregate classification (germline): Benign/Likely benign. Review status: criteria provided, multiple submitters, no conflicts (2 of 4 stars). 12 submissions from 11 submitters: Benign (9); Likely benign (3). Last evaluated 2026-01-31.

Conditions:
Ehlers-Danlos syndrome, classic type, 1 (EDSCL1). Also called: Ehlers-Danlos syndrome, type 1; Ehlers-Danlos Syndrome, Classic Type, COL5A1-Related; EDS I; EHLERS-DANLOS SYNDROME, GRAVIS TYPE; EHLERS-DANLOS SYNDROME, SEVERE CLASSIC TYPE. Identifiers: MedGen C0268335, MONDO:0019567, OMIM 130000.
Fibromuscular dysplasia, multifocal. Identifiers: MedGen C5543412, MONDO:0859151, OMIM 619329.
Ehlers-Danlos syndrome, classic type (cEDS). Identifiers: Orphanet 287, MedGen C4225429, MONDO:0007522.

Allele frequency attached by ClinVar (database versions not stated): ExAC 0.00207; 1000 Genomes Project 30x 0.00453; TOPMed 0.00565; gnomAD exomes 0.00144 and 0.00048; ESP Exome Variant Server 0.00554; gnomAD 0.00512 and 0.00479; 1000 Genomes Project 0.00459.
gnomAD v4.1: 1,449 of 1,600,592 alleles (0.091%); highest among the groups gnomAD compares: African/African-American, 1.7%; 15 homozygotes.

Submissions (18):

Labcorp Genetics (formerly Invitae), Labcorp
Classification: Benign for Ehlers-Danlos syndrome, classic type, 1. Last evaluated: 2026-01-31. Review status: criteria provided, single submitter. Criteria: Invitae Variant Classification Sherloc (09022015). Collection method: clinical testing. Allele origin: germline.

ARUP Laboratories, Molecular Genetics and Genomics, ARUP Laboratories
Classification: Benign. Last evaluated: 2025-05-09. Review status: criteria provided, single submitter. Criteria: ARUP Molecular Germline Variant Investigation Process 2024. Collection method: clinical testing. Allele origin: germline.

Blueprint Genetics
Classification: Likely benign. Last evaluated: 2024-11-27. Review status: criteria provided, single submitter. Criteria: ACMG Guidelines, 2015. Collection method: clinical testing. Allele origin: germline.

Mayo Clinic Laboratories, Mayo Clinic
Classification: Benign. Last evaluated: 2023-09-07. Review status: criteria provided, single submitter. Criteria: ACMG Guidelines, 2015. Collection method: clinical testing. Allele origin: germline. Observed: 13 variant alleles.
Comment: BS1, BS2

Women's Health and Genetics/Laboratory Corporation of America, LabCorp
Classification: Benign. Last evaluated: 2023-08-10. Review status: criteria provided, single submitter. Criteria: LabCorp Variant Classification Summary - May 2015. Collection method: clinical testing. Allele origin: germline.

Genome-Nilou Lab
Classification: Benign for Ehlers-Danlos syndrome, classic type, 1. Last evaluated: 2022-03-15. Review status: criteria provided, single submitter. Criteria: ACMG Guidelines, 2015. Collection method: clinical testing. Allele origin: germline. Affected: no.

Genome-Nilou Lab
Classification: Benign for Fibromuscular dysplasia, multifocal. Last evaluated: 2022-03-15. Review status: criteria provided, single submitter. Criteria: ACMG Guidelines, 2015. Collection method: clinical testing. Allele origin: germline. Affected: no.

Fulgent Genetics
Classification: Benign for Ehlers-Danlos syndrome, classic type, 1; Fibromuscular dysplasia, multifocal. Last evaluated: 2021-07-02. Review status: criteria provided, single submitter. Criteria: ACMG Guidelines, 2015. Collection method: clinical testing. Allele origin: unknown.

Illumina Laboratory Services, Illumina
Classification: Likely benign for Ehlers-Danlos syndrome, classic type, 1. Last evaluated: 2017-04-28. Review status: criteria provided, single submitter. Criteria: ICSL Variant Classification Criteria 13 December 2019. Collection method: clinical testing. Allele origin: germline.
Comment: This variant was observed as part of a predisposition screen in an ostensibly healthy population. A literature search was performed for the gene, cDNA change, and amino acid change (where applicable). No publications were found based on this search. Allele frequency data from public databases allowed determination this variant is unlikely to cause disease. Therefore, this variant is classified as likely benign.

GeneDx
Classification: Benign. Last evaluated: 2013-09-26. Review status: criteria provided, single submitter. Criteria: GeneDx Variant Classification (06012015). Collection method: clinical testing. Allele origin: germline. Affected: yes.
Comment: This variant is considered likely benign or benign based on one or more of the following criteria: it is a conservative change, it occurs at a poorly conserved position in the protein, it is predicted to be benign by multiple in silico algorithms, and/or has population frequency not consistent with disease.

Breakthrough Genomics
Classification: Likely benign. Review status: criteria provided, single submitter. Criteria: ACMG Guidelines, 2015. Collection method: not provided. Allele origin: germline. Inheritance: Autosomal dominant inheritance. Affected: yes.

PreventionGenetics, part of Exact Sciences
Classification: Benign. Review status: criteria provided, single submitter. Criteria: ACMG Guidelines, 2015. Collection method: clinical testing. Allele origin: germline.

Dr. Peter K. Rogan Lab, Western University
No classification provided (evidence only). Condition: Lung cancer. Review status: no classification provided. Collection method: in vitro. Allele origin: not applicable. Functional consequence: retained intron. Not counted in ClinVar's aggregate classification.

Dr. Peter K. Rogan Lab, Western University
No classification provided (evidence only). Condition: Familial cancer of breast. Review status: no classification provided. Collection method: in vitro. Allele origin: not applicable. Functional consequence: retained intron. Not counted in ClinVar's aggregate classification.

Dr. Peter K. Rogan Lab, Western University
No classification provided (evidence only). Condition: Familial cancer of breast. Review status: no classification provided. Collection method: in vitro. Allele origin: not applicable. Functional consequence: retained intron. Not counted in ClinVar's aggregate classification.

Dr. Peter K. Rogan Lab, Western University
No classification provided (evidence only). Condition: Familial cancer of breast. Review status: no classification provided. Collection method: in vitro. Allele origin: not applicable. Functional consequence: retained intron. Not counted in ClinVar's aggregate classification.

Dr. Peter K. Rogan Lab, Western University
No classification provided (evidence only). Condition: Acute myeloid leukemia. Review status: no classification provided. Collection method: in vitro. Allele origin: not applicable. Functional consequence: retained intron. Not counted in ClinVar's aggregate classification.

Dr. Peter K. Rogan Lab, Western University
No classification provided (evidence only). Condition: Uterine corpus endometrial carcinoma. Review status: no classification provided. Collection method: in vitro. Allele origin: not applicable. Functional consequence: retained intron. Not counted in ClinVar's aggregate classification.

NM_000093.5(COL5A1):c.5137-11T>C

Genes: COL5A1 (collagen type V alpha 1 chain; plus strand), LOC101448202 (uncharacterized LOC101448202; minus strand). Cytogenetic location: 9q34.3.
Variant type: single nucleotide variant.
Coding change: c.5137-11T>C on transcript NM_000093.5 (MANE Select); 11 bases into the intron before coding-DNA position 5137, T replaced by C.
Molecular consequence: intron variant.
Genome position (GRCh38, 1-based): chr9:134,834,960, T>C. VCF-style: chr9-134834960-T-C. GRCh37 (hg19) VCF-style: chr9-137726806-T-C.
Other names: p.?; c.5137-11T>C (NM_001278074.1).
Identifiers: ClinVar variation 136910 (VCV000136910.22), dbSNP rs183495554, ClinGen allele CA290310.